The following is an entry in ClinVar:

ClinVar aggregate classification (germline): Benign. Review status: criteria provided, multiple submitters, no conflicts (2 of 4 stars). 2 submissions from 2 submitters: Benign (2). Last evaluated 2018-06-14.

Allele frequency attached by ClinVar (database versions not stated): gnomAD 0.87972 and 0.88692; gnomAD exomes 0.87295; TOPMed 0.87397; 1000 Genomes Project 0.80591; 1000 Genomes Project 30x 0.81090.
gnomAD v4.1: 596,917 of 682,716 alleles (87%); highest among the groups gnomAD compares: Non-Finnish European, 90%; 262,678 homozygotes.

Submissions (2):

GeneDx
Classification: Benign. Last evaluated: 2018-06-14. Review status: criteria provided, single submitter. Criteria: GeneDx Variant Classification (06012015). Collection method: clinical testing. Allele origin: germline. Affected: yes.
Comment: This variant is considered likely benign or benign based on one or more of the following criteria: it is a conservative change, it occurs at a poorly conserved position in the protein, it is predicted to be benign by multiple in silico algorithms, and/or has population frequency not consistent with disease.

Breakthrough Genomics
Classification: Benign. Review status: criteria provided, single submitter. Criteria: ACMG Guidelines, 2015. Collection method: not provided. Allele origin: germline. Inheritance: Autosomal recessive inheritance. Affected: yes.

NM_030962.4(SBF2):c.5452-165C>G

Genes: SBF2 (SET binding factor 2; minus strand), SBF2-AS1 (SBF2 antisense RNA 1; plus strand), LOC105369149 (uncharacterized LOC105369149; plus strand). Cytogenetic location: 11p15.4.
Variant type: single nucleotide variant.
Coding change: c.5452-165C>G on transcript NM_030962.4 (MANE Select); 165 bases into the intron before coding-DNA position 5452, C replaced by G.
Molecular consequence: intron variant.
Genome position (GRCh38, 1-based): chr11:9,780,681, G>C on the plus strand (C>G on the coding strand, the complement: SBF2 is on the minus strand). VCF-style: chr11-9780681-G-C. GRCh37 (hg19) VCF-style: chr11-9802228-G-C.
Other names: c.5323-165C>G (NM_001386342.1); c.5548-165C>G (NM_001386339.1).
Identifiers: ClinVar variation 669272 (VCV000669272.2), dbSNP rs360124, ClinGen allele CA217603054.